The following is an entry in ClinVar:

ClinVar aggregate classification (germline): Pathogenic. Review status: criteria provided, single submitter (1 of 4 stars). 2 submissions from 2 submitters: Pathogenic (1). 1 of the submissions does not count toward it. Last evaluated 2023-09-28.

Conditions:
Autosomal recessive congenital ichthyosis 1 (LI1). Also called: COLLODION FETUS; DESQUAMATION OF NEWBORN; ICHTHYOSIS CONGENITA; ICHTHYOSIS CONGENITA II; LAMELLAR EXFOLIATION OF NEWBORN; ICHTHYOSIS, CONGENITAL, AUTOSOMAL RECESSIVE 1, WITH BATHING SUIT DISTRIBUTION. Identifiers: MedGen C4551630, MONDO:0009441, OMIM 242300.

Allele frequency attached by ClinVar (database versions not stated): gnomAD 0.00001.
gnomAD v4.1: 1 of 1,614,060 alleles (0.000062%); highest among the groups gnomAD compares: Non-Finnish European, 0.000085%; no homozygotes.

Submissions (2):

Labcorp Genetics (formerly Invitae), Labcorp
Classification: Pathogenic. Last evaluated: 2023-09-28. Review status: criteria provided, single submitter. Criteria: Invitae Variant Classification Sherloc (09022015). Collection method: clinical testing. Allele origin: germline.
Comment: For these reasons, this variant has been classified as Pathogenic. ClinVar contains an entry for this variant (Variation ID: 553789). This premature translational stop signal has been observed in individual(s) with autosomal recessive congenital ichthyosis (PMID: 18948357). The frequency data for this variant in the population databases is considered unreliable, as metrics indicate poor data quality at this position in the gnomAD database. This sequence change creates a premature translational stop signal (p.Leu235*) in the TGM1 gene. It is expected to result in an absent or disrupted protein product. Loss-of-function variants in TGM1 are known to be pathogenic (PMID: 18948357, 19241467).

Counsyl
Classification: Likely pathogenic for Autosomal recessive congenital ichthyosis 1. Last evaluated: 2017-09-13. Review status: no assertion criteria provided. Collection method: clinical testing. Allele origin: unknown. Not counted in ClinVar's aggregate classification.

Literature cited by the submitters: PubMed 18948357 (cited by Labcorp Genetics (formerly Invitae), Labcorp and Counsyl); PubMed 19241467 (cited by Labcorp Genetics (formerly Invitae), Labcorp); PubMed 25525159 (cited by Counsyl).

NM_000359.3(TGM1):c.704T>A (p.Leu235Ter)

Gene: TGM1 (transglutaminase 1; minus strand). Cytogenetic location: 14q12.
Variant type: single nucleotide variant.
Coding change: c.704T>A on transcript NM_000359.3 (MANE Select); coding-DNA position 704, T replaced by A.
Protein change: p.Leu235Ter; replaces leucine 235 with a stop codon.
Molecular consequence: nonsense.
Genome position (GRCh38, 1-based): chr14:24,260,503, A>T on the plus strand (T>A on the coding strand, the complement: TGM1 is on the minus strand). VCF-style: chr14-24260503-A-T. GRCh37 (hg19) VCF-style: chr14-24729709-A-T.
Other names: short protein forms L235*.
Identifiers: ClinVar variation 553789 (VCV000553789.5), dbSNP rs1199770893, ClinGen allele CA389272027.